The following is an entry in ClinVar:

ClinVar aggregate classification (germline): Uncertain significance. Review status: criteria provided, multiple submitters, no conflicts (2 of 4 stars). 2 submissions from 2 submitters: Uncertain significance (2). Last evaluated 2023-11-14.

Conditions:
Inborn genetic diseases. Identifiers: MedGen C0950123, MeSH D030342.
Spastic paraplegia. Identifiers: MedGen C0037772, HP:0001258.

Allele frequency attached by ClinVar (database versions not stated): gnomAD 0.00003; gnomAD exomes 0.00003; 1000 Genomes Project 30x 0.00031.

Submissions (2):

Ambry Genetics
Classification: Uncertain significance for Inborn genetic diseases. Last evaluated: 2023-11-14. Review status: criteria provided, single submitter. Criteria: Ambry Variant Classification Scheme 2023. Collection method: clinical testing. Allele origin: germline.

Labcorp Genetics (formerly Invitae), Labcorp
Classification: Uncertain significance for Spastic paraplegia. Last evaluated: 2022-05-25. Review status: criteria provided, single submitter. Criteria: Invitae Variant Classification Sherloc (09022015). Collection method: clinical testing. Allele origin: germline.
Comment: This sequence change replaces serine, which is neutral and polar, with isoleucine, which is neutral and non-polar, at codon 33 of the CYP2U1 protein (p.Ser33Ile). This variant is present in population databases (no rsID available, gnomAD 0.07%). This variant has not been reported in the literature in individuals affected with CYP2U1-related conditions. Advanced modeling of protein sequence and biophysical properties (such as structural, functional, and spatial information, amino acid conservation, physicochemical variation, residue mobility, and thermodynamic stability) performed at Invitae indicates that this missense variant is not expected to disrupt CYP2U1 protein function. In summary, the available evidence is currently insufficient to determine the role of this variant in disease. Therefore, it has been classified as a Variant of Uncertain Significance.

NM_183075.3(CYP2U1):c.98G>T (p.Ser33Ile)

Genes: CYP2U1 (cytochrome P450 family 2 subfamily U member 1; plus strand), CYP2U1-AS1 (CYP2U1 and SGMS2 antisense RNA 1; minus strand). Cytogenetic location: 4q25.
Variant type: single nucleotide variant.
Coding change: c.98G>T on transcript NM_183075.3 (MANE Select); coding-DNA position 98, G replaced by T.
Protein change: p.Ser33Ile; replaces serine 33 with isoleucine.
Molecular consequence: missense variant.
Genome position (GRCh38, 1-based): chr4:107,931,741, G>T. VCF-style: chr4-107931741-G-T. GRCh37 (hg19) VCF-style: chr4-108852897-G-T.
Other names: c.98G>T (NM_183075.2); short protein forms S33I.
Identifiers: ClinVar variation 2146385 (VCV002146385.2), dbSNP rs970965477, ClinGen allele CA102859624.